The following is an entry in ClinVar:

ClinVar aggregate classification (germline): Uncertain significance (1 of 4 stars; one submission).

Conditions:
Hereditary sensory and autonomic neuropathy type 6. Also called: HSAN VI; Neuropathy, hereditary sensory and autonomic, type VI. Identifiers: Orphanet 314381, MedGen C3539003, MONDO:0013839, OMIM 614653.
Epidermolysis bullosa simplex 3, localized or generalized intermediate, with BP230 deficiency (EBS3). Also called: Epidermolysis bullosa simplex, autosomal recessive 2; Epidermolysis bullosa simplex due to BP230 deficiency. Identifiers: Orphanet 412181, MedGen C3809470, MONDO:0014180, OMIM 615425.

Submission:

Labcorp Genetics (formerly Invitae), Labcorp
Classification: Uncertain significance for Epidermolysis bullosa simplex 3, localized or generalized intermediate, with BP230 deficiency; Hereditary sensory and autonomic neuropathy type 6. Last evaluated: 2024-10-02. Review status: criteria provided, single submitter. Criteria: Invitae Variant Classification Sherloc (09022015). Collection method: clinical testing. Allele origin: germline.
Comment: The DST gene has multiple clinically relevant transcripts. This variant occurs in alternate transcript NM_015548.4, and corresponds to NM_001723.5:c.*58035A>G in the primary transcript. This sequence change replaces aspartic acid, which is acidic and polar, with glycine, which is neutral and non-polar, at codon 2203 of the DST protein (p.Asp2203Gly). This variant is not present in population databases (gnomAD no frequency). This variant has not been reported in the literature in individuals affected with DST-related conditions. Experimental studies and prediction algorithms are not available or were not evaluated, and the functional significance of this variant is currently unknown. In summary, the available evidence is currently insufficient to determine the role of this variant in disease. Therefore, it has been classified as a Variant of Uncertain Significance.

NM_001374736.1(DST):c.14477A>G (p.Asp4826Gly)

Gene: DST (dystonin; minus strand). Cytogenetic location: 6p12.1.
Variant type: single nucleotide variant.
Coding change: c.14477A>G on transcript NM_001374736.1 (MANE Select); coding-DNA position 14477, A replaced by G.
Protein change: p.Asp4826Gly; replaces aspartic acid 4826 with glycine.
Molecular consequence: missense variant.
Genome position (GRCh38, 1-based): chr6:56,557,482, T>C on the plus strand (A>G on the coding strand, the complement: DST is on the minus strand). VCF-style: chr6-56557482-T-C. GRCh37 (hg19) VCF-style: chr6-56422280-T-C.
Other names: c.8120A>G, p.Asp2707Gly (NM_001144769.5); c.7706A>G, p.Asp2569Gly (NM_001144770.2); c.14477A>G, p.Asp4826Gly (NM_001374722.1); c.13844A>G, p.Asp4615Gly (NM_001374729.1); c.7586A>G, p.Asp2529Gly (NM_001374730.1, NM_001386100.1, NM_183380.4); c.14504A>G, p.Asp4835Gly (NM_001374734.1); c.6608A>G, p.Asp2203Gly (NM_015548.5); short protein forms D2203G, D2529G, D2569G, D2707G, D4615G, D4826G, D4835G.
Identifiers: ClinVar variation 3751861 (VCV003751861.2).
Genomic context (GRCh38, chr6:56,557,482, plus strand): 5'-GCCTCTACAGTCTGGAACTGGGTTAGATTATTGGAGGATTCTTCCAGTTTTTGTTGTCTA[T>C]CAATTGTTAATTGATTGAGTTCTTGCCACTTAGAATCTAAAAGAAAAAAAATGAAACTGG-3'
Protein context (NP_001361665.1, residues 4816-4836): KWQELNQLTI[Asp4826Gly]RQQKLEESSN